The following is an entry in ClinVar:

NM_001142800.2(EYS):c.6491T>C (p.Val2164Ala)

Gene: EYS (EGF-like photoreceptor maintenance factor; minus strand). Cytogenetic location: 6q12.
Variant type: single nucleotide variant.
Coding change: c.6491T>C on transcript NM_001142800.2 (MANE Select); coding-DNA position 6491, T replaced by C.
Protein change: p.Val2164Ala; replaces valine 2164 with alanine.
Molecular consequence: missense variant.
Genome position (GRCh38, 1-based): chr6:64,081,936, A>G on the plus strand (T>C on the coding strand, the complement: EYS is on the minus strand). VCF-style: chr6-64081936-A-G. GRCh37 (hg19) VCF-style: chr6-64791829-A-G.
Other names: c.6491T>C, p.Val2164Ala (NM_001292009.2); short protein forms V2164A.
Identifiers: ClinVar variation 1906706 (VCV001906706.5), dbSNP rs1771986555, ClinGen allele CA364390968.

ClinVar aggregate classification (germline): Uncertain significance (1 of 4 stars; one submission).

Allele frequency attached by ClinVar (database versions not stated): gnomAD exomes below 0.00001; gnomAD 0.00001.
gnomAD v4.1: 2 of 1,545,540 alleles (0.00013%); highest among the groups gnomAD compares: South Asian, 0.0024%; no homozygotes.

Submission:

Labcorp Genetics (formerly Invitae), Labcorp
Classification: Uncertain significance. Last evaluated: 2021-12-29. Review status: criteria provided, single submitter. Criteria: Invitae Variant Classification Sherloc (09022015). Collection method: clinical testing. Allele origin: germline.
Comment: In summary, the available evidence is currently insufficient to determine the role of this variant in disease. Therefore, it has been classified as a Variant of Uncertain Significance. Algorithms developed to predict the effect of missense changes on protein structure and function output the following: SIFT: "Tolerated"; PolyPhen-2: "Benign"; Align-GVGD: "Class C0". The alanine amino acid residue is found in multiple mammalian species, which suggests that this missense change does not adversely affect protein function. This variant has not been reported in the literature in individuals affected with EYS-related conditions. This variant is not present in population databases (gnomAD no frequency). This sequence change replaces valine, which is neutral and non-polar, with alanine, which is neutral and non-polar, at codon 2164 of the EYS protein (p.Val2164Ala).